The following is an entry in ClinVar:

NM_007078.3(LDB3):c.424T>G (p.Phe142Val)

Gene: LDB3 (LIM domain binding 3; plus strand). Cytogenetic location: 10q23.2.
Variant type: single nucleotide variant.
Coding change: c.424T>G on transcript NM_007078.3 (MANE Select); coding-DNA position 424, T replaced by G.
Protein change: p.Phe142Val; replaces phenylalanine 142 with valine.
Molecular consequence: missense variant. On other transcripts: intron variant (5).
Genome position (GRCh38, 1-based): chr10:86,681,538, T>G. VCF-style: chr10-86681538-T-G. GRCh37 (hg19) VCF-style: chr10-88441295-T-G.
Other names: c.424T>G, p.Phe142Val (NM_001080115.2, NM_001171610.2, NM_001171611.2 and 3 more transcripts); c.321+1381T>G (NM_001368068.1, NM_001368066.1, NM_001080114.2 and 2 more transcripts); short protein forms F142V.
Identifiers: ClinVar variation 4046686 (VCV004046686.1).
Genomic context (GRCh38, chr10:86,681,538, plus strand): 5'-CCCAGCCCTGAGGCGAGGGCCAGCCCAGGCACCCCAGGCACCCCGGAGCTCAGGCCCACC[T>G]TTAGCCCTGCCTTCTCCCGGCCCTCCGCCTTCTCCTCACTCGCCGAGGCCTCTGACCCTG-3'
Protein context (NP_009009.1, residues 132-152): TPGTPELRPT[Phe142Val]SPAFSRPSAF

ClinVar aggregate classification (germline): Uncertain significance (1 of 4 stars; one submission).

Conditions:
Cardiovascular phenotype. Identifiers: MedGen CN230736.

gnomAD v4.1: 1 of 1,612,774 alleles (0.000062%); highest among the groups gnomAD compares: Non-Finnish European, 0.000085%; no homozygotes.

Submission:

Ambry Genetics
Classification: Uncertain significance for Cardiovascular phenotype. Last evaluated: 2025-06-10. Review status: criteria provided, single submitter. Criteria: Ambry Variant Classification Scheme 2023. Collection method: clinical testing. Allele origin: germline.
Comment: The p.F142V variant (also known as c.424T>G), located in coding exon 4 of the LDB3 gene, results from a T to G substitution at nucleotide position 424. The phenylalanine at codon 142 is replaced by valine, an amino acid with highly similar properties. This amino acid position is conserved. In addition, this alteration is predicted to be tolerated by in silico analysis. Based on the available evidence, the clinical significance of this variant remains unclear.